The following is an entry in ClinVar:

NM_017617.5(NOTCH1):c.6826C>T (p.Leu2276=)

Gene: NOTCH1 (notch receptor 1; minus strand). Cytogenetic location: 9q34.3.
Variant type: single nucleotide variant.
Coding change: c.6826C>T on transcript NM_017617.5 (MANE Select); coding-DNA position 6826, C replaced by T.
Protein change: p.Leu2276=; no amino-acid change (leucine 2276 retained).
Molecular consequence: synonymous variant.
Genome position (GRCh38, 1-based): chr9:136,496,913, G>A on the plus strand (C>T on the coding strand, the complement: NOTCH1 is on the minus strand). VCF-style: chr9-136496913-G-A. GRCh37 (hg19) VCF-style: chr9-139391365-G-A.
Other names: c.6826C>T, p.Leu2276= (LRG_1122t1).
Identifiers: ClinVar variation 514295 (VCV000514295.1), dbSNP rs1554826447, ClinGen allele CA467831804.

ClinVar aggregate classification (germline): Likely benign (1 of 4 stars; one submission).

Allele frequency attached by ClinVar (database versions not stated): gnomAD exomes below 0.00001.
gnomAD v4.1: 1 of 1,612,656 alleles (0.000062%); highest among the groups gnomAD compares: Non-Finnish European, 0.000085%; no homozygotes.

Submission:

GeneDx
Classification: Likely benign. Last evaluated: 2017-12-20. Review status: criteria provided, single submitter. Criteria: GeneDx Variant Classification (06012015). Collection method: clinical testing. Allele origin: germline. Affected: yes.
Comment: This variant is considered likely benign or benign based on one or more of the following criteria: it is a conservative change, it occurs at a poorly conserved position in the protein, it is predicted to be benign by multiple in silico algorithms, and/or has population frequency not consistent with disease.